The following is an entry in ClinVar:

NM_014946.4(SPAST):c.638A>G (p.Asn213Ser)

Gene: SPAST (spastin; plus strand). Cytogenetic location: 2p22.3.
Variant type: single nucleotide variant.
Coding change: c.638A>G on transcript NM_014946.4 (MANE Select); coding-DNA position 638, A replaced by G.
Protein change: p.Asn213Ser; replaces asparagine 213 with serine.
Molecular consequence: missense variant. On other transcripts: intron variant (3).
Genome position (GRCh38, 1-based): chr2:32,098,847, A>G. VCF-style: chr2-32098847-A-G. GRCh37 (hg19) VCF-style: chr2-32323916-A-G.
Other names: c.635A>G, p.Asn212Ser (NM_001363823.2); c.586+9242A>G (NM_199436.2, NM_001377959.1); c.583+9242A>G (NM_001363875.2); short protein forms N212S, N213S.
Identifiers: ClinVar variation 2875726 (VCV002875726.3), dbSNP rs1678015793, ClinGen allele CA346603947.

ClinVar aggregate classification (germline): Uncertain significance (1 of 4 stars; one submission).

Conditions:
Hereditary spastic paraplegia 4. Also called: Spastic Paraplegia 4; Spastic paraplegia 4, autosomal dominant; Familial spastic paraplegia autosomal dominant 2. Identifiers: Orphanet 100985, MedGen C1866855, MONDO:0008438, OMIM 182601.

Allele frequency attached by ClinVar (database versions not stated): gnomAD exomes below 0.00001; TOPMed below 0.00001.
gnomAD v4.1: 3 of 1,613,942 alleles (0.00019%); highest among the groups gnomAD compares: Non-Finnish European, 0.00025%; no homozygotes.

Submission:

Labcorp Genetics (formerly Invitae), Labcorp
Classification: Uncertain significance for Hereditary spastic paraplegia 4. Last evaluated: 2023-05-22. Review status: criteria provided, single submitter. Criteria: Invitae Variant Classification Sherloc (09022015). Collection method: clinical testing. Allele origin: germline.
Comment: This variant has not been reported in the literature in individuals affected with SPAST-related conditions. Advanced modeling of protein sequence and biophysical properties (such as structural, functional, and spatial information, amino acid conservation, physicochemical variation, residue mobility, and thermodynamic stability) performed at Invitae indicates that this missense variant is not expected to disrupt SPAST protein function. In summary, the available evidence is currently insufficient to determine the role of this variant in disease. Therefore, it has been classified as a Variant of Uncertain Significance. This variant is not present in population databases (gnomAD no frequency). This sequence change replaces asparagine, which is neutral and polar, with serine, which is neutral and polar, at codon 213 of the SPAST protein (p.Asn213Ser).